The following is an entry in ClinVar:

NM_014319.5(LEMD3):c.1498G>T (p.Val500Leu)

Gene: LEMD3 (LEM domain containing 3; plus strand). Cytogenetic location: 12q14.3.
Variant type: single nucleotide variant.
Coding change: c.1498G>T on transcript NM_014319.5 (MANE Select); coding-DNA position 1498, G replaced by T.
Protein change: p.Val500Leu; replaces valine 500 with leucine.
Molecular consequence: missense variant.
Genome position (GRCh38, 1-based): chr12:65,171,094, G>T. VCF-style: chr12-65171094-G-T. GRCh37 (hg19) VCF-style: chr12-65564874-G-T.
Other names: c.1498G>T, p.Val500Leu (NM_001167614.2); short protein forms V500L.
Identifiers: ClinVar variation 1967000 (VCV001967000.5), dbSNP rs142265837, ClinGen allele CA6670910.

ClinVar aggregate classification (germline): Uncertain significance (1 of 4 stars; one submission).

Allele frequency attached by ClinVar (database versions not stated): ESP Exome Variant Server 0.00008; gnomAD exomes below 0.00001; ExAC 0.00001.
gnomAD v4.1: 6 of 1,613,074 alleles (0.00037%); highest among the groups gnomAD compares: Middle Eastern, 0.016%; no homozygotes.

Submission:

Labcorp Genetics (formerly Invitae), Labcorp
Classification: Uncertain significance. Last evaluated: 2025-09-29. Review status: criteria provided, single submitter. Criteria: Invitae Variant Classification Sherloc (09022015). Collection method: clinical testing. Allele origin: germline.
Comment: This sequence change replaces valine, which is neutral and non-polar, with leucine, which is neutral and non-polar, at codon 500 of the LEMD3 protein (p.Val500Leu). This variant is present in population databases (rs142265837, gnomAD 0.002%). This variant has not been reported in the literature in individuals affected with LEMD3-related conditions. ClinVar contains an entry for this variant (Variation ID: 1967000). Invitae Evidence Modeling of protein sequence and biophysical properties (such as structural, functional, and spatial information, amino acid conservation, physicochemical variation, residue mobility, and thermodynamic stability) indicates that this missense variant is not expected to disrupt LEMD3 protein function with a negative predictive value of 80%. In summary, the available evidence is currently insufficient to determine the role of this variant in disease. Therefore, it has been classified as a Variant of Uncertain Significance.